The following continues an entry in ClinVar:

NM_020975.6(RET):c.2944C>T (p.Arg982Cys)

Gene: RET. ClinVar aggregate classification (germline): Conflicting classifications of pathogenicity. Uncertain significance (1); Benign (22); Likely benign (6).

Submissions 15 to 41 of 41:

Women's Health and Genetics/Laboratory Corporation of America, LabCorp
Classification: Benign. Last evaluated: 2019-12-23. Review status: criteria provided, single submitter. Criteria: LabCorp Variant Classification Summary - May 2015. Collection method: clinical testing. Allele origin: germline.
Comment: Variant summary: RET c.2944C>T (p.Arg982Cys) results in a non-conservative amino acid change located in the serine-threonine/tyrosine-protein kinase, catalytic domain (IPR001245) of the encoded protein sequence. Three of five in-silico tools predict a damaging effect of the variant on protein function. The variant allele was found at a frequency of 0.019 in 251460 control chromosomes in the gnomAD database, including 78 homozygotes. The observed variant frequency is approximately 1299 fold of the estimated maximal expected allele frequency for a pathogenic variant in RET causing Multiple Endocrine Neoplasia Type 2/Hirschsprung Disease phenotype (1.5e-05), strongly suggesting that the variant is benign. c.2944C>T has been reported in the early literature predating large control datasets in individuals reportedly affected with Multiple Endocrine Neoplasia Type 2/Hirschsprung Disease. These report(s) do not provide unequivocal conclusions about association of the variant with Multiple Endocrine Neoplasia Type 2/Hirschsprung Disease with no evidence supporting a damaging outcome in subsequent literature relating to this specific variant. At-least two co-occurrences with other pathogenic variant(s) have been reported (RET c.1852T>C, p.Cys618Arg; RET c.2410G>A, p.Val804Met), providing supporting evidence for a benign role (Mulligan_1994, and Lesueur_2005). At least one publication reports experimental evidence evaluating an impact on protein function. These results showed no damaging effect of this variant Pasini_1995. Nine clinical diagnostic laboratories have submitted clinical-significance assessments for this variant to ClinVar after 2014 without evidence for independent evaluation (benign, n=7, likely benign, n=1, VUS, n=1). Based on the evidence outlined above, the variant was classified as benign.

Mayo Clinic Laboratories, Mayo Clinic
Classification: Benign. Last evaluated: 2019-04-24. Review status: criteria provided, single submitter. Criteria: ACMG Guidelines, 2015. Collection method: clinical testing. Allele origin: germline. Observed: 57 variant alleles.

Illumina Laboratory Services, Illumina
Classification: Likely benign for Multiple endocrine neoplasia. Last evaluated: 2017-04-27. Review status: criteria provided, single submitter. Criteria: ICSL Variant Classification Criteria 13 December 2019. Collection method: clinical testing. Allele origin: germline.
Comment: This variant was observed as part of a predisposition screen in an ostensibly healthy population. A literature search was performed for the gene, cDNA change, and amino acid change (where applicable). Publications were found based on this search. The evidence from the literature, in combination with allele frequency data from public databases where available, was sufficient to determine this variant is unlikely to cause disease. Therefore, this variant is classified as likely benign.

Illumina Laboratory Services, Illumina
Classification: Likely benign for Renal hypodysplasia/aplasia 1. Last evaluated: 2017-04-27. Review status: criteria provided, single submitter. Criteria: ICSL Variant Classification Criteria 13 December 2019. Collection method: clinical testing. Allele origin: germline.
Comment: This variant was observed as part of a predisposition screen in an ostensibly healthy population. A literature search was performed for the gene, cDNA change, and amino acid change (where applicable). No publications were found based on this search. Allele frequency data from public databases allowed determination this variant is unlikely to cause disease. Therefore, this variant is classified as likely benign.

Illumina Laboratory Services, Illumina
Classification: Likely benign for Hirschsprung disease, susceptibility to, 1. Last evaluated: 2017-04-27. Review status: criteria provided, single submitter. Criteria: ICSL Variant Classification Criteria 13 December 2019. Collection method: clinical testing. Allele origin: germline.
Comment: the same text as in the submission from Illumina Laboratory Services, Illumina above.

Illumina Laboratory Services, Illumina
Classification: Likely benign for Pheochromocytoma. Last evaluated: 2017-04-27. Review status: criteria provided, single submitter. Criteria: ICSL Variant Classification Criteria 13 December 2019. Collection method: clinical testing. Allele origin: germline.
Comment: the same text as in the submission from Illumina Laboratory Services, Illumina above.

Center for Human Genetics, Inc
Classification: Uncertain significance for Multiple endocrine neoplasia type 2A. Last evaluated: 2016-11-01. Review status: criteria provided, single submitter. Criteria: ACMG Guidelines, 2015. Collection method: clinical testing. Allele origin: germline. Affected: yes.

GeneDx
Classification: Benign. Last evaluated: 2016-09-23. Review status: criteria provided, single submitter. Criteria: GeneDx Variant Classification (06012015). Collection method: clinical testing. Allele origin: germline. Affected: yes.
Comment: This variant is considered likely benign or benign based on one or more of the following criteria: it is a conservative change, it occurs at a poorly conserved position in the protein, it is predicted to be benign by multiple in silico algorithms, and/or has population frequency not consistent with disease.

Vantari Genetics
Classification: Benign for Hereditary cancer-predisposing syndrome. Last evaluated: 2016-02-04. Review status: criteria provided, single submitter. Criteria: ACMG Guidelines, 2015. Collection method: clinical testing. Allele origin: germline.

Laboratory for Molecular Medicine, Mass General Brigham Personalized Medicine
Classification: Benign. Last evaluated: 2015-12-09. Review status: criteria provided, single submitter. Criteria: LMM Criteria. Collection method: clinical testing. Allele origin: germline. Observed: 4 variant alleles.
Comment: p.Arg982Cys in exon 18 of RET: This variant is not expected to have clinical sig nificance because it is not located within the splice consensus sequence. It has been identified in 4% (666/16512) of South Asian chromosomes by the Exome Aggre gation Consortium (ExAC; dbSNP rs17158558).

Genomic Diagnostic Laboratory, Division of Genomic Diagnostics, Children's Hospital of Philadelphia
Classification: Benign for Familial medullary thyroid carcinoma. Last evaluated: 2015-09-24. Review status: criteria provided, single submitter. Criteria: DGD Variant Analysis Guidelines. Collection method: clinical testing. Allele origin: unknown.

Genomic Diagnostic Laboratory, Division of Genomic Diagnostics, Children's Hospital of Philadelphia
Classification: Benign for Multiple endocrine neoplasia. Last evaluated: 2015-04-17. Review status: criteria provided, single submitter. Criteria: DGD Variant Analysis Guidelines. Collection method: clinical testing. Allele origin: unknown.

Ambry Genetics
Classification: Benign for Hereditary cancer-predisposing syndrome. Last evaluated: 2014-11-24. Review status: criteria provided, single submitter. Criteria: Ambry Variant Classification Scheme 2023. Collection method: clinical testing. Allele origin: germline.

Eurofins Ntd Llc (ga)
Classification: Benign. Last evaluated: 2014-10-23. Review status: criteria provided, single submitter. Criteria: EGL Classification Definitions 2015. Collection method: clinical testing. Allele origin: germline. Observed: 4 variant alleles, 4 heterozygotes.

PreventionGenetics, part of Exact Sciences
Classification: Benign. Review status: criteria provided, single submitter. Criteria: ACMG Guidelines, 2015. Collection method: clinical testing. Allele origin: germline.

Counsyl
Classification: Benign for Multiple endocrine neoplasia type 2B. Last evaluated: 2016-04-05. Review status: no assertion criteria provided. Collection method: clinical testing. Allele origin: unknown. Not counted in ClinVar's aggregate classification.

Counsyl
Classification: Benign for Multiple endocrine neoplasia type 2A. Last evaluated: 2016-04-05. Review status: no assertion criteria provided. Collection method: clinical testing. Allele origin: unknown. Not counted in ClinVar's aggregate classification.

ITMI
No classification provided. Condition: AllHighlyPenetrant. Last evaluated: 2013-09-19. Review status: no classification provided. Collection method: reference population. Allele origin: germline. Not counted in ClinVar's aggregate classification.
Comment: Please see associated publication for description of ethnicities

Human Genomics Unit, Institute for molecular medicine Finland (FIMM)
Classification: Uncertain significance for Hirschsprung disease. Last evaluated: 2013-01-01. Review status: no assertion criteria provided. Collection method: research. Allele origin: inherited. Affected: yes. Observed: 5 variant alleles. Not counted in ClinVar's aggregate classification.

Biesecker Lab/Clinical Genomics Section, National Institutes of Health
Classification: Benign. Last evaluated: 2012-07-13. Review status: no assertion criteria provided. Collection method: research. Allele origin: germline. Affected: no. Observed: 16 variant alleles. Study: ClinSeq. Not counted in ClinVar's aggregate classification.
ClinVar note: Converted during submission from no known pathogenicity to Benign.

OMIM
Classification: risk factor for HIRSCHSPRUNG DISEASE, SUSCEPTIBILITY TO, 1. Last evaluated: 1998-08-01. Review status: no assertion criteria provided. Collection method: literature only. Allele origin: germline. Not counted in ClinVar's aggregate classification.

Center of Medical Genetics and Primary Health Care
Classification: Benign for Breast Cancer. Review status: no assertion criteria provided. Collection method: clinical testing. Allele origin: germline. Affected: yes. Not counted in ClinVar's aggregate classification.

Diagnostic Laboratory, Department of Genetics, University Medical Center Groningen
Classification: Benign. Review status: no assertion criteria provided. Collection method: clinical testing. Allele origin: germline. Affected: yes. Study: VKGL Data-share Consensus. Not counted in ClinVar's aggregate classification.

Genome Diagnostics Laboratory, Amsterdam University Medical Center
Classification: Benign. Review status: no assertion criteria provided. Collection method: clinical testing. Allele origin: germline. Affected: yes. Study: VKGL Data-share Consensus. Not counted in ClinVar's aggregate classification.

Genome Diagnostics Laboratory, University Medical Center Utrecht
Classification: Benign. Review status: no assertion criteria provided. Collection method: clinical testing. Allele origin: germline. Affected: yes. Study: VKGL Data-share Consensus. Not counted in ClinVar's aggregate classification.

Joint Genome Diagnostic Labs from Nijmegen and Maastricht, Radboudumc and MUMC+
Classification: Benign. Review status: no assertion criteria provided. Collection method: clinical testing. Allele origin: germline. Affected: yes. Study: VKGL Data-share Consensus. Not counted in ClinVar's aggregate classification.

Laboratory of Diagnostic Genome Analysis, Leiden University Medical Center (LUMC)
Classification: Likely benign. Review status: no assertion criteria provided. Collection method: clinical testing. Allele origin: germline. Affected: yes. Study: VKGL Data-share Consensus. Not counted in ClinVar's aggregate classification.

Literature cited by the submitters: PubMed 9727738 (cited by Athena Diagnostics and Women's Health and Genetics/Laboratory Corporation of America, LabCorp); PubMed 24728327 (cited by 3 submitters); PubMed 22995991 (cited by Athena Diagnostics and Laboratory for Molecular Medicine, Mass General Brigham Personalized Medicine); PubMed 23084198 (cited by Athena Diagnostics and Laboratory for Molecular Medicine, Mass General Brigham Personalized Medicine); PubMed 38253735 (cited by Athena Diagnostics); PubMed 37937776 (cited by Athena Diagnostics); PubMed 36936415 (cited by Athena Diagnostics); PubMed 36315513 (cited by Athena Diagnostics); PubMed 29420094 (cited by Athena Diagnostics); PubMed 29483666 (cited by Athena Diagnostics); PubMed 30031151 (cited by Athena Diagnostics); PubMed 32971818 (cited by Athena Diagnostics); PubMed 10646792 (cited by Athena Diagnostics); PubMed 14566559 (cited by 3 submitters); PubMed 14633923 (cited by Athena Diagnostics and Women's Health and Genetics/Laboratory Corporation of America, LabCorp); PubMed 15741265 (cited by Athena Diagnostics and Women's Health and Genetics/Laboratory Corporation of America, LabCorp); PubMed 16441254 (cited by Athena Diagnostics and Women's Health and Genetics/Laboratory Corporation of America, LabCorp); PubMed 16928683 (cited by Athena Diagnostics and Women's Health and Genetics/Laboratory Corporation of America, LabCorp); PubMed 21655256 (cited by 3 submitters); PubMed 21995290 (cited by Athena Diagnostics and Laboratory for Molecular Medicine, Mass General Brigham Personalized Medicine); PubMed 7647787 (cited by 5 submitters); PubMed 7881414 (cited by 3 submitters); PubMed 20981092 (cited by Athena Diagnostics); PubMed 27884173 (cited by Athena Diagnostics); PubMed 22729463 (cited by Athena Diagnostics and Laboratory for Molecular Medicine, Mass General Brigham Personalized Medicine); PubMed 12566528 (cited by 3 submitters); PubMed 22837065 (cited by 3 submitters); PubMed 27153395 (cited by Athena Diagnostics); PubMed 23527089 (cited by Athena Diagnostics and Laboratory for Molecular Medicine, Mass General Brigham Personalized Medicine); PubMed 9760196 (cited by 4 submitters).